The following is an entry in ClinVar:

ClinVar aggregate classification (germline): Uncertain significance (1 of 4 stars; one submission).

Submission:

GeneDx
Classification: Uncertain significance. Last evaluated: 2023-06-02. Review status: criteria provided, single submitter. Criteria: GeneDx Variant Classification Process June 2021. Collection method: clinical testing. Allele origin: germline. Affected: yes.
Comment: Not observed at significant frequency in large population cohorts (gnomAD); In-frame deletion of 3 amino acids in a non-repeat region; In silico analysis supports a deleterious effect on protein structure/function; Has not been previously published as pathogenic or benign to our knowledge

NM_001113491.2(SEPTIN9):c.248_256del (p.Gln83_Ser85del)

Gene: SEPTIN9 (septin 9; plus strand). Cytogenetic location: 17q25.3.
Variant type: Deletion.
Coding change: c.248_256del on transcript NM_001113491.2 (MANE Select); coding-DNA positions 248 to 256, 9 bases deleted (AACGCTCCC; older notation c.248_256delAACGCTCCC).
Protein change: p.Gln83_Ser85del.
Molecular consequence: 5 prime UTR variant (on NM_001113492.2).
Genome position (GRCh38, 1-based): chr17:77,402,230-77,402,238, AACGCTCCC deleted; deleting any 9 consecutive bases within chr17:77,402,228-77,402,238 gives the same sequence; the c. name uses the placement nearest the transcript's 3' end. VCF-style (leftmost placement, unchanged base first): chr17-77402227-GCCAACGCTC-G. GRCh37 (hg19) VCF-style: chr17-75398309-GCCAACGCTC-G.
Other names: c.-245_-237del (NM_001113492.2, NM_001113494.1); c.227_235del, p.Gln76_Ser78del (NM_001113493.2); c.191_199del, p.Gln64_Ser66del (NM_001293695.2); c.194_202del, p.Gln65_Ser67del (NM_006640.5).
Identifiers: ClinVar variation 3362038 (VCV003362038.1).